The following is an entry in ClinVar:

ClinVar aggregate classification (germline): Uncertain significance (1 of 4 stars; one submission).

Conditions:
Developmental and epileptic encephalopathy, 18 (DEE18). Also called: Early infantile epileptic encephalopathy 18. Identifiers: Orphanet 369894, MedGen C3809624, MONDO:0014201, OMIM 615476.

gnomAD v4.1: 1 of 152,222 alleles (0.00066%); highest among the groups gnomAD compares: Admixed American, 0.0065%; no homozygotes.

Submission:

Institute of Human Genetics, University of Leipzig Medical Center
Classification: Uncertain significance for Developmental and epileptic encephalopathy, 18. Last evaluated: 2025-09-12. Review status: criteria provided, single submitter. Criteria: ACMG Guidelines, 2015. Collection method: clinical testing. Allele origin: paternal. Inheritance: Autosomal recessive inheritance. Affected: yes.
Comment: Criteria applied: PM2,PM3,PP3

NM_001365999.1(SZT2):c.5905-341A>G

Gene: SZT2 (SZT2 subunit of KICSTOR complex; plus strand). Cytogenetic location: 1p34.2.
Variant type: single nucleotide variant.
Coding change: c.5905-341A>G on transcript NM_001365999.1 (MANE Select); 341 bases into the intron before coding-DNA position 5905, A replaced by G.
Molecular consequence: intron variant.
Genome position (GRCh38, 1-based): chr1:43,434,859, A>G. VCF-style: chr1-43434859-A-G. GRCh37 (hg19) VCF-style: chr1-43900530-A-G.
Other names: c.5734-341A>G (NM_015284.4).
Identifiers: ClinVar variation 4291099 (VCV004291099.1).